The following is an entry in ClinVar:

GRCh38/hg38 8q24.21(chr8:127118340-127858575)x3

Genes: CASC11 (cancer susceptibility 11; minus strand), CASC19 (cancer susceptibility 19; minus strand), CASC21 (cancer susceptibility 21; plus strand), CASC8 (cancer susceptibility 8; minus strand), CCAT1 (colon cancer associated transcript 1; minus strand) and 43 more. Cytogenetic location: 8q24.21.
Variant type: copy number gain.
Change: copy number 3 (three copies instead of two) of chr8:127,118,340-127,858,575 (740.2 kb, GRCh38 coordinates, 1-based), cytogenetic band 8q24.21.
Identifiers: ClinVar variation 57128 (VCV000057128.1).

ClinVar aggregate classification (germline): Pathogenic (1 of 4 stars; one submission).

Submission:

ISCA site 4
Classification: Pathogenic. Last evaluated: 2011-08-12. Review status: criteria provided, single submitter. Criteria: Kaminsky et al. (Genet Med. 2011). Collection method: clinical testing. Allele origin: de novo. Affected: yes. Observed: 1 variant allele.
Comment: Copy number variation identified through the course of routine clinical cytogenomic testing in postnatal populations. Clinical assertions have been curated as described in Kaminsky et al. 2011.